The following is an entry in ClinVar:

NM_001375524.1(TRRAP):c.8596G>C (p.Val2866Leu)

Gene: TRRAP (transformation/transcription domain associated protein; plus strand). Cytogenetic location: 7q22.1.
Variant type: single nucleotide variant.
Coding change: c.8596G>C on transcript NM_001375524.1 (MANE Select); coding-DNA position 8596, G replaced by C.
Protein change: p.Val2866Leu; replaces valine 2866 with leucine.
Molecular consequence: missense variant.
Genome position (GRCh38, 1-based): chr7:98,978,866, G>C. VCF-style: chr7-98978866-G-C. GRCh37 (hg19) VCF-style: chr7-98576489-G-C.
Other names: c.8575G>C, p.Val2859Leu (NM_001244580.2); c.8521G>C, p.Val2841Leu (NM_003496.4); short protein forms V2866L, V2841L, V2859L.
Identifiers: ClinVar variation 3691223 (VCV003691223.2).
Genomic context (GRCh38, chr7:98,978,866, plus strand): 5'-GAGTACGGTCAGTCCAAAGGCCACATCAACCCCTACCTCGTCCTGGAGTGCGCCTGGCGG[G>C]TGTCCAACTGGACTGCCATGAAGGAGGCGCTGGTGCAGGTGAGACGCCCCGGGGGCATCC-3'
Protein context (NP_001362453.1, residues 2856-2876): PYLVLECAWR[Val2866Leu]SNWTAMKEAL

ClinVar aggregate classification (germline): Uncertain significance (1 of 4 stars; one submission).

gnomAD v4.1: 1 of 1,614,168 alleles (0.000062%); highest among the groups gnomAD compares: Non-Finnish European, 0.000085%; no homozygotes.

Submission:

Labcorp Genetics (formerly Invitae), Labcorp
Classification: Uncertain significance. Last evaluated: 2024-03-17. Review status: criteria provided, single submitter. Criteria: Invitae Variant Classification Sherloc (09022015). Collection method: clinical testing. Allele origin: germline.
Comment: This sequence change replaces valine, which is neutral and non-polar, with leucine, which is neutral and non-polar, at codon 2841 of the TRRAP protein (p.Val2841Leu). This variant is not present in population databases (gnomAD no frequency). This variant has not been reported in the literature in individuals affected with TRRAP-related conditions. Advanced modeling of protein sequence and biophysical properties (such as structural, functional, and spatial information, amino acid conservation, physicochemical variation, residue mobility, and thermodynamic stability) performed at Invitae indicates that this missense variant is not expected to disrupt TRRAP protein function with a negative predictive value of 80%. In summary, the available evidence is currently insufficient to determine the role of this variant in disease. Therefore, it has been classified as a Variant of Uncertain Significance.